The following is an entry in ClinVar:

ClinVar aggregate classification (germline): Uncertain significance (1 of 4 stars; one submission).

Allele frequency attached by ClinVar (database versions not stated): gnomAD exomes 0.00001; TOPMed 0.00001.
gnomAD v4.1: 3 of 1,613,546 alleles (0.00019%); highest among the groups gnomAD compares: Admixed American, 0.0033%; no homozygotes.

Submission:

Labcorp Genetics (formerly Invitae), Labcorp
Classification: Uncertain significance. Last evaluated: 2022-05-28. Review status: criteria provided, single submitter. Criteria: Invitae Variant Classification Sherloc (09022015). Collection method: clinical testing. Allele origin: germline.
Comment: This variant has not been reported in the literature in individuals affected with PPP2R5B-related conditions. This sequence change replaces lysine, which is basic and polar, with arginine, which is basic and polar, at codon 434 of the PPP2R5B protein (p.Lys434Arg). This variant is present in population databases (no rsID available, gnomAD 0.006%). Algorithms developed to predict the effect of missense changes on protein structure and function (SIFT, PolyPhen-2, Align-GVGD) all suggest that this variant is likely to be tolerated. In summary, the available evidence is currently insufficient to determine the role of this variant in disease. Therefore, it has been classified as a Variant of Uncertain Significance.

NM_006244.4(PPP2R5B):c.1301A>G (p.Lys434Arg)

Gene: PPP2R5B (protein phosphatase 2 regulatory subunit B'beta; plus strand). Cytogenetic location: 11q13.1.
Variant type: single nucleotide variant.
Coding change: c.1301A>G on transcript NM_006244.4 (MANE Select); coding-DNA position 1301, A replaced by G.
Protein change: p.Lys434Arg; replaces lysine 434 with arginine.
Molecular consequence: missense variant.
Genome position (GRCh38, 1-based): chr11:64,933,201, A>G. VCF-style: chr11-64933201-A-G. GRCh37 (hg19) VCF-style: chr11-64700673-A-G.
Other names: short protein forms K434R.
Identifiers: ClinVar variation 1936749 (VCV001936749.5), dbSNP rs1334703545, ClinGen allele CA381204613.